The following is an entry in ClinVar:

NM_022455.5(NSD1):c.6257dup (p.Asn2087fs)

Gene: NSD1 (nuclear receptor binding SET domain protein 1; plus strand). Cytogenetic location: 5q35.3.
Variant type: Duplication.
Coding change: c.6257dup on transcript NM_022455.5 (MANE Select); coding-DNA position 6257, one base duplicated (A; older notation c.6257dupA).
Protein change: p.Asn2087fs; shifts the reading frame from asparagine 2087.
Molecular consequence: frameshift variant. On other transcripts: intron variant (1).
Genome position (GRCh38, 1-based): chr5:177,288,924, A duplicated; the last of 3 consecutive A bases (chr5:177,288,922-177,288,924); duplicating any one gives the same sequence. VCF-style (leftmost placement, unchanged base first): chr5-177288921-C-CA. GRCh37 (hg19) VCF-style: chr5-176715922-C-CA.
Other names: c.5495dup, p.Asn1833fs (NM_001409306.1, NM_001409307.1); c.5384dup, p.Asn1796fs (NM_001409308.1, NM_172349.5, NM_001365684.2); c.5137-3030dup (NM_001409309.1); c.6257dup, p.Asn2087fs (NM_001409301.1, NM_001409302.1, NM_001409303.1); c.5837dup, p.Asn1947fs (NM_001409304.1); c.5504dup, p.Asn1836fs (NM_001409305.1); short protein forms N2087fs, N1833fs, N1947fs, N1796fs, N1836fs.
Identifiers: ClinVar variation 2585109 (VCV002585109.1), dbSNP rs2480811005, ClinGen allele CA2582341658.
Genomic context (GRCh38, chr5:177,288,921, plus strand): 5'-ATGGAAAGACTGTTTGCAAATGTGGAGCCCCGAACTGCAGTGGCTTCTTGGGTGTAAGGC[C>CA]AAAGGTACCACCCTTCTAGACTTCTGCTTTGGGATTAGTGGTGCGGTCCTCCCTCCCTAA-3'

ClinVar aggregate classification (germline): Likely pathogenic (1 of 4 stars; one submission).

Conditions:
Sotos syndrome (SOTOS). Also called: Sotos' syndrome; Distinctive facial appearance, overgrowth in childhood, and learning disabilities or delayed development; CEREBRAL GIGANTISM; CHROMOSOME 5q35 DELETION SYNDROME; SOTOS SYNDROME 1. Identifiers: Orphanet 821, MedGen C0175695, MONDO:0019349, OMIM 117550.

Submission:

Neuberg Centre For Genomic Medicine, NCGM
Classification: Likely pathogenic for Sotos syndrome. Review status: criteria provided, single submitter. Criteria: ACMG Guidelines, 2015. Collection method: clinical testing. Allele origin: germline. Inheritance: Autosomal dominant inheritance. Affected: yes.
Comment: The frame shift c.6257dup (p.Asn2087GlufsTer26) variant in NSD1 gene has not been reported previously as a pathogenic variant nor as a benign variant, to our knowledge. The variant is novel (not in any individuals) in gnomAD Exomes and in 1000 Genomes. This variant causes a frameshift starting with codon Asparagine 2087, changes this amino acid to Glutamic Acid residue, and creates a premature Stop codon at position 26 of the new reading frame, denoted p.Asn2087GlufsTer26. This variant is predicted to cause loss of normal protein function through protein truncation. Loss of function variants have been previously reported to be disease causing. For these reasons, this variant has been classified as Likely Pathogenic.